The following is an entry in ClinVar:

ClinVar aggregate classification (germline): Pathogenic/Likely pathogenic. Review status: criteria provided, multiple submitters, no conflicts (2 of 4 stars). 7 submissions from 7 submitters: Pathogenic (3); Likely pathogenic (2). 2 of the submissions do not count toward it. Last evaluated 2026-01-20.

Conditions:
Cardiovascular phenotype. Identifiers: MedGen CN230736.
Hereditary cancer-predisposing syndrome. Also called: Neoplastic Syndromes, Hereditary; Tumor predisposition; Hereditary neoplastic syndrome; Hereditary Cancer Syndrome. Identifiers: Orphanet 140162, MedGen C0027672, MeSH D009386, MONDO:0015356.
Neurofibromatosis, type 1 (NF1). Also called: VON RECKLINGHAUSEN DISEASE; NEUROFIBROMATOSIS, TYPE I, SOMATIC; Peripheral type neurofibromatosis; Neurofibromatosis, type I. Identifiers: Orphanet 636, MedGen C0027831, MONDO:0018975, OMIM 162200. Disease mechanism: loss of function.
Juvenile myelomonocytic leukemia (JMML). Also called: LEUKEMIA, JUVENILE MYELOMONOCYTIC, SOMATIC. Identifiers: Orphanet 86834, MedGen C0349639, MONDO:0011908, OMIM 607785, HP:0012209.
Café-au-lait macules with pulmonary stenosis (WTSN). Also called: PULMONIC STENOSIS WITH CAFE-AU-LAIT SPOTS. Identifiers: MedGen C0553586, MONDO:0008672, OMIM 193520.
Neurofibromatosis-Noonan syndrome (NFNS). Also called: NEUROFIBROMATOSIS WITH NOONAN PHENOTYPE. Identifiers: Orphanet 638, MedGen C2931482, MONDO:0011035, OMIM 601321. Disease mechanism: loss of function.
Neurofibromatosis, familial spinal (FSNF). Identifiers: Orphanet 636, MedGen C1834235, MONDO:0008078, OMIM 162210. Disease mechanism: loss of function.

Submissions (7):

GeneDx
Classification: Likely pathogenic. Last evaluated: 2026-01-20. Review status: criteria provided, single submitter. Criteria: GeneDx Variant Classification Process June 2021. Collection method: clinical testing. Allele origin: germline. Affected: yes.
Comment: Not observed at significant frequency in large population cohorts (gnomAD); In silico analysis supports that this missense variant has a deleterious effect on protein structure/function; This variant is associated with the following publications: (PMID: 27716896, 31776437, 29290338, 25486365, 2121369, 33877690, 39669605)

Labcorp Genetics (formerly Invitae), Labcorp
Classification: Pathogenic for Neurofibromatosis, type 1. Last evaluated: 2026-01-08. Review status: criteria provided, single submitter. Criteria: Invitae Variant Classification Sherloc (09022015). Collection method: clinical testing. Allele origin: germline.
Comment: This sequence change replaces leucine, which is neutral and non-polar, with proline, which is neutral and non-polar, at codon 933 of the NF1 protein (p.Leu933Pro). This variant is not present in population databases (gnomAD no frequency). This missense change has been observed in individual(s) with neurofibromatosis type 1 (PMID: 27716896, 31776437). Invitae Evidence Modeling of clinical and family history, age, sex, and reported ancestry of multiple individuals with this NF1 variant has been performed. This variant is expected to be pathogenic with a positive predictive value of at least 99%. This is a validated machine learning model that incorporates the clinical features of 1,785,918 individuals referred to our laboratory for NF1 testing. ClinVar contains an entry for this variant (Variation ID: 527461). Invitae Evidence Modeling of protein sequence and biophysical properties (such as structural, functional, and spatial information, amino acid conservation, physicochemical variation, residue mobility, and thermodynamic stability) indicates that this missense variant is expected to disrupt NF1 protein function with a positive predictive value of 95%. For these reasons, this variant has been classified as Pathogenic.

Ambry Genetics
Classification: Pathogenic for Cardiovascular phenotype; Hereditary cancer-predisposing syndrome. Last evaluated: 2024-07-09. Review status: criteria provided, single submitter. Criteria: Ambry Variant Classification Scheme 2023. Collection method: clinical testing. Allele origin: germline.
Comment: The p.L933P pathogenic mutation (also known as c.2798T>C), located in coding exon 21 of the NF1 gene, results from a T to C substitution at nucleotide position 2798. The leucine at codon 933 is replaced by proline, an amino acid with similar properties. This variant has been observed in multiple individuals with a personal and/or family history that is consistent with Neurofibromatosis type 1 (van Minkelen R et al. Clin Genet, 2014 Apr;85:318-27; Cassiman C et al. Clin Genet, 2017 Apr;91:529-535; Kang E et al. J Hum Genet, 2020 Jan;65:79-89; G&uuml;ne N et al. Ann Hum Genet, 2021 Sep;85:155-165; Ambry internal data). This variant is considered to be rare based on population cohorts in the Genome Aggregation Database (gnomAD). This amino acid position is highly conserved in available vertebrate species. In addition, this alteration is predicted to be deleterious by in silico analysis. Based on the supporting evidence, this variant is interpreted as a disease-causing mutation.

Center of Genomic medicine, Geneva, University Hospital of Geneva
Classification: Pathogenic for Neurofibromatosis, type 1. Last evaluated: 2018-03-26. Review status: criteria provided, single submitter. Criteria: ACMG Guidelines, 2015. Collection method: clinical testing. Allele origin: de novo. Affected: yes. Observed: 1 variant allele.

Juno Genomics, Hangzhou Juno Genomics, Inc
Classification: Likely pathogenic for Juvenile myelomonocytic leukemia; Neurofibromatosis, familial spinal; Neurofibromatosis, type 1; Neurofibromatosis-Noonan syndrome; Café-au-lait macules with pulmonary stenosis. Review status: criteria provided, single submitter. Criteria: ACMG Guidelines, 2015. Collection method: clinical testing. Allele origin: germline. Affected: yes.
Comment: Absent from controls (or at extremely low frequency if recessive) in Genome Aggregation Database, Exome Sequencing Project, 1000 Genomes Project, or Exome Aggregation Consortium.;Multiple lines of computational evidence support a deleterious effect on the gene or gene product (conservation, evolutionary, splicing impact, etc).;Missense variant in a gene that has a low rate of benign missense variation and where missense variants are a common mechanism of disease.;Assumed de novo, but without confirmation of paternity and maternity.;The prevalence of the variant in affected individuals is significantly increased compared to the prevalence in controls.;Patient's phenotype or family history is highly specific for a disease with a single genetic etiology.

Zotz-Klimas Genetics Lab, MVZ Zotz Klimas
Classification: Uncertain significance for Neurofibromatosis, type 1. Last evaluated: 2023-10-09. Review status: no assertion criteria provided. Collection method: clinical testing. Allele origin: germline. Affected: yes. Not counted in ClinVar's aggregate classification.

Center for Human Genetics, Inc
Classification: Uncertain significance for Neurofibromatosis, type 1. Last evaluated: 2016-11-01. Review status: flagged submission. Criteria: ACMG Guidelines, 2015. Collection method: clinical testing. Allele origin: germline. Affected: yes. Not counted in ClinVar's aggregate classification.
ClinVar note: Reason: Older and outlier claim with insufficient supporting evidence

Literature cited by the submitters: PubMed 27716896 (cited by Labcorp Genetics (formerly Invitae), Labcorp and Ambry Genetics); PubMed 31776437 (cited by Labcorp Genetics (formerly Invitae), Labcorp and Ambry Genetics); PubMed 23656349 (cited by Ambry Genetics); PubMed 33877690 (cited by Ambry Genetics).

NM_001042492.3(NF1):c.2798T>C (p.Leu933Pro)

Gene: NF1 (neurofibromin 1; plus strand). Cytogenetic location: 17q11.2.
Variant type: single nucleotide variant.
Coding change: c.2798T>C on transcript NM_001042492.3 (MANE Select); coding-DNA position 2798, T replaced by C.
Protein change: p.Leu933Pro; replaces leucine 933 with proline.
Molecular consequence: missense variant.
Genome position (GRCh38, 1-based): chr17:31,229,413, T>C. VCF-style: chr17-31229413-T-C. GRCh37 (hg19) VCF-style: chr17-29556431-T-C.
Other names: c.2798T>C, p.Leu933Pro (NM_000267.4); short protein forms L933P.
Identifiers: ClinVar variation 527461 (VCV000527461.19), dbSNP rs1555614342, ClinGen allele CA398985673.
Genomic context (GRCh38, chr17:31,229,413, plus strand): 5'-TACGGACCAATGTTAAGGATCTGGTGGGTCTAGAATTGAGTCCTGCTCTGTATCCAATGC[T>C]ATTTAACAAATTGAAGAATACCATCAGCAAGTTTTTTGACTCCCAAGGACAGGTAAAGTG-3'
Protein context (NP_001035957.1, residues 923-943): LELSPALYPM[Leu933Pro]FNKLKNTISK